The following is an entry in ClinVar:

NR_163948.1(SEM1):n.167G>C

Genes: C7orf76 (chromosome 7 open reading frame 76; minus strand), SEM1 (SEM1 26S proteasome subunit; minus strand). Cytogenetic location: 7q21.3.
Variant type: single nucleotide variant.
Molecular consequence: non-coding transcript variant (on NR_163948.1).
Genome position: GRCh38 VCF-style: chr7-96486350-C-G. GRCh37 (hg19) VCF-style: chr7-96115662-C-G.
Other names: NM_001201450.1:c.80G>C.
Identifiers: ClinVar variation 2635872 (VCV002635872.1), dbSNP rs752460892, ClinGen allele CA163542298.

ClinVar aggregate classification (germline): Uncertain significance (1 of 4 stars; one submission).

Conditions:
SEM1-related disorder. Also called: SEM1-related condition.

gnomAD v4.1: 18 of 1,536,950 alleles (0.0012%); highest among the groups gnomAD compares: South Asian, 0.0036%; no homozygotes.

Submission:

PreventionGenetics, part of Exact Sciences
Classification: Uncertain significance for SEM1-related condition. Last evaluated: 2023-07-16. Review status: criteria provided, single submitter. Criteria: ACMG Guidelines, 2015. Collection method: clinical testing. Allele origin: germline.
Comment: The SEM1 c.80G>C variant is predicted to result in the amino acid substitution p.Arg27Thr. To our knowledge, this variant has not been reported in the literature. This variant is reported in 0.0044% of alleles in individuals of South Asian descent in gnomAD. At this time, the clinical significance of this variant is uncertain due to the absence of conclusive functional and genetic evidence.